The following is an entry in ClinVar:

ClinVar aggregate classification (germline): Uncertain significance (1 of 4 stars; one submission).

Allele frequency attached by ClinVar (database versions not stated): gnomAD exomes 0.00001; TOPMed 0.00002.
gnomAD v4.1: 6 of 1,210,874 alleles (0.0005%); highest among the groups gnomAD compares: East Asian, 0.003%; no homozygotes.

Submission:

GeneDx
Classification: Uncertain significance. Last evaluated: 2022-12-13. Review status: criteria provided, single submitter. Criteria: GeneDx Variant Classification Process June 2021. Collection method: clinical testing. Allele origin: germline. Affected: yes.
Comment: Not observed at significant frequency in large population cohorts (gnomAD); In silico analysis supports that this variant does not alter splicing; Has not been previously published as pathogenic or benign to our knowledge; Reported using an alternate transcript of the gene

NM_001159702.3(FHL1):c.863G>A (p.Arg288Gln)

Gene: FHL1 (four and a half LIM domains 1; plus strand). Cytogenetic location: Xq26.3.
Variant type: single nucleotide variant.
Coding change: c.863G>A on transcript NM_001159702.3 (MANE Plus Clinical); coding-DNA position 863, G replaced by A.
Protein change: p.Arg288Gln; replaces arginine 288 with glutamine.
Molecular consequence: missense variant. On other transcripts: intron variant (11).
Genome position (GRCh38, 1-based): chrX:136,209,417, G>A. VCF-style: chrX-136209417-G-A. GRCh37 (hg19) VCF-style: chrX-135291576-G-A.
Other names: c.863G>A, p.Arg288Gln (NM_001369326.1, NM_001369327.2, NM_001369328.1); c.689-454G>A (NM_001449.5, NM_001369329.1, NM_001369330.1 and 4 more transcripts); c.502-454G>A (NM_001159703.2); c.776-454G>A (NM_001159701.2); c.737-454G>A (NM_001159699.2); c.550-454G>A (NM_001330659.2); short protein forms R288Q.
Identifiers: ClinVar variation 2505924 (VCV002505924.1), dbSNP rs2073945075, ClinGen allele CA414609509.